The following is an entry in ClinVar:

ClinVar aggregate classification (germline): Pathogenic/Likely pathogenic. Review status: criteria provided, multiple submitters, no conflicts (2 of 4 stars). 2 submissions from 2 submitters: Pathogenic (1); Likely pathogenic (1). Last evaluated 2024-04-03.

Conditions:
KMT2C-related disorder. Also called: KMT2C-related disorders; KMT2C-related condition.

Submissions (2):

GeneDx
Classification: Pathogenic. Last evaluated: 2024-04-03. Review status: criteria provided, single submitter. Criteria: GeneDx Variant Classification Process June 2021. Collection method: clinical testing. Allele origin: germline. Affected: yes.
Comment: Frameshift variant predicted to result in protein truncation or nonsense mediated decay in a gene for which loss-of-function is a known mechanism of disease; Not observed at significant frequency in large population cohorts (gnomAD); Has not been previously published as pathogenic or benign to our knowledge

Blueprint Genetics
Classification: Likely pathogenic for KMT2C-related disorders. Last evaluated: 2022-10-05. Review status: criteria provided, single submitter. Criteria: ACMG Guidelines, 2015. Collection method: clinical testing. Allele origin: germline. Affected: yes. Observed: 2 variant alleles.

NM_170606.3(KMT2C):c.8445dup (p.Ser2816fs)

Gene: KMT2C (lysine methyltransferase 2C; minus strand). Cytogenetic location: 7q36.1.
Variant type: Duplication.
Coding change: c.8445dup on transcript NM_170606.3 (MANE Select); coding-DNA position 8445, one base duplicated (A; older notation c.8445dupA).
Protein change: p.Ser2816fs; shifts the reading frame from serine 2816.
Molecular consequence: frameshift variant.
Genome position (GRCh38, 1-based): chr7:152,177,008, T duplicated on the plus strand (A on the coding strand, the reverse complement: KMT2C is on the minus strand); the first of 6 consecutive T bases (chr7:152,177,008-152,177,013); duplicating any one gives the same sequence. VCF-style (leftmost placement, unchanged base first): chr7-152177007-A-AT. GRCh37 (hg19) VCF-style: chr7-151874092-A-AT.
Other names: short protein forms S2816fs.
Identifiers: ClinVar variation 3361591 (VCV003361591.2).